The following is an entry in ClinVar:

NM_001009944.3(PKD1):c.107C>A (p.Pro36His)

Gene: PKD1 (polycystin 1, transient receptor potential channel interacting; minus strand). Cytogenetic location: 16p13.3.
Variant type: single nucleotide variant.
Coding change: c.107C>A on transcript NM_001009944.3 (MANE Select); coding-DNA position 107, C replaced by A.
Protein change: p.Pro36His; replaces proline 36 with histidine.
Molecular consequence: missense variant.
Genome position (GRCh38, 1-based): chr16:2,135,583, G>T on the plus strand (C>A on the coding strand, the complement: PKD1 is on the minus strand). VCF-style: chr16-2135583-G-T. GRCh37 (hg19) VCF-style: chr16-2185584-G-T.
Other names: c.107C>A, p.Pro36His (NM_000296.4); short protein forms P36H.
Identifiers: ClinVar variation 256895 (VCV000256895.23), dbSNP rs560049593, ClinGen allele CA10587238.
Genomic context (GRCh38, chr16:2,135,583, plus strand): 5'-AGCCCGCGGCCCGAGCAGTTGACGCGGCAGGCGGCGCCGGGCGCTGGGCCGCAGAGGCAG[G>T]GGGGCTCGCAGGGCCCGCAGCCGCGCCCGGGGCCCCCCGCCAGCGCCCCGAGCCACAGGC-3'
Protein context (NP_001009944.3, residues 26-46): PGRGCGPCEP[Pro36His]CLCGPAPGAA

ClinVar aggregate classification (germline): Benign/Likely benign. Review status: criteria provided, multiple submitters, no conflicts (2 of 4 stars). 10 submissions from 10 submitters: Benign (4); Likely benign (4). 2 of the submissions do not count toward it. Last evaluated 2026-05-08.

Conditions:
PKD1-related disorder. Also called: PKD1-related condition.
Autosomal dominant polycystic kidney disease. Identifiers: Orphanet 730, MedGen C0085413, MONDO:0004691.
Polycystic kidney disease, adult type (PKD1). Also called: Polycystic Kidney, Autosomal Dominant; Polycystic Kidney Disease 1, Autosomal Dominant; Polycystic kidney disease 1; Polycystic kidney disease 1, severe; POLYCYSTIC KIDNEY DISEASE 1 WITH OR WITHOUT POLYCYSTIC LIVER DISEASE; POLYCYSTIC KIDNEY DISEASE, ADULT, TYPE I. Identifiers: MedGen C3149841, MONDO:0008263, OMIM 173900.
Polycystic kidney disease. Also called: Polycystic kidney dysplasia; Kidney, Polycystic. Identifiers: MedGen C0022680, MeSH D007690, MONDO:0020642, HP:0000113.

Allele frequency attached by ClinVar (database versions not stated): gnomAD 0.01538; 1000 Genomes Project 0.00180; 1000 Genomes Project 30x 0.00781; TOPMed 0.01374.
gnomAD v4.1: 23,399 of 1,068,452 alleles (2.2%); highest among the groups gnomAD compares: Non-Finnish European, 2.4%; 292 homozygotes.

Submissions (10):

Women's Health and Genetics/Laboratory Corporation of America, LabCorp
Classification: Likely benign. Last evaluated: 2026-05-08. Review status: criteria provided, single submitter. Criteria: LabCorp Variant Classification Summary - May 2015. Collection method: clinical testing. Allele origin: germline.
Comment: Variant summary: PKD1 c.107C>A (p.Pro36His) results in a non-conservative amino acid change in the encoded protein sequence. Algorithms developed to predict the effect of missense changes on protein structure and function are either unavailable or do not agree on the potential impact of this missense change. The variant allele was found at a frequency of 0.015 in 25682 control chromosomes in the gnomAD database, including 3 homozygotes. The observed variant frequency exceeds the estimated maximal expected allele frequency for disease-causing variants in PKD1. ClinVar contains an entry for this variant (Variation ID: 256895). Based on the evidence outlined above, the variant was classified as likely benign.

Laboratory of Genetics, Children's Clinical University Hospital Latvia
Classification: Likely benign. Last evaluated: 2025-02-16. Review status: criteria provided, single submitter. Criteria: ACMG Guidelines, 2015. Collection method: clinical testing. Allele origin: germline. Affected: yes.

Blueprint Genetics
Classification: Benign. Last evaluated: 2024-11-26. Review status: criteria provided, single submitter. Criteria: ACMG Guidelines, 2015. Collection method: clinical testing. Allele origin: germline.

Mayo Clinic Laboratories, Mayo Clinic
Classification: Benign. Last evaluated: 2023-04-11. Review status: criteria provided, single submitter. Criteria: ACMG Guidelines, 2015. Collection method: clinical testing. Allele origin: germline. Observed: 33 variant alleles.
Comment: BS1, BS2, BP4

ARUP Laboratories, Molecular Genetics and Genomics, ARUP Laboratories
Classification: Benign for Polycystic kidney disease, adult type. Last evaluated: 2020-02-28. Review status: criteria provided, single submitter. Criteria: ARUP Molecular Germline Variant Investigation Process. Collection method: clinical testing. Allele origin: germline.

GeneDx
Classification: Benign. Last evaluated: 2019-09-25. Review status: criteria provided, single submitter. Criteria: GeneDx Variant Classification Process June 2021. Collection method: clinical testing. Allele origin: germline. Affected: yes.
Comment: This variant is associated with the following publications: (PMID: 22008521, 18640754)

Molecular Genetics of Inherited Kidney Disorders Laboratory, Garvan Institute of Medical Research
Classification: Likely benign for Autosomal dominant polycystic kidney disease. Last evaluated: 2019-01-01. Review status: criteria provided, single submitter. Criteria: ACMG Guidelines, 2015. Collection method: research. Allele origin: germline. Affected: yes.

Breakthrough Genomics
Classification: Likely benign. Review status: criteria provided, single submitter. Criteria: ACMG Guidelines, 2015. Collection method: not provided. Allele origin: germline. Inheritance: Autosomal dominant inheritance. Affected: yes.

PreventionGenetics, part of Exact Sciences
Classification: Benign for PKD1-related condition. Last evaluated: 2019-07-23. Review status: no assertion criteria provided. Collection method: clinical testing. Allele origin: germline. Not counted in ClinVar's aggregate classification.
Comment: This variant is classified as benign based on ACMG/AMP sequence variant interpretation guidelines (Richards et al. 2015 PMID: 25741868, with internal and published modifications).

Department of Pathology and Laboratory Medicine, Sinai Health System
Classification: Benign for Polycystic Kidney disease. Review status: no assertion criteria provided. Collection method: clinical testing. Allele origin: unknown. Affected: yes. Study: The Canadian Open Genetics Repository (COGR). Not counted in ClinVar's aggregate classification.
Comment: The PKD1 p.Pro36His variant was identified in 20 of 616 proband chromosomes (frequency: 0.03) from individuals or families with ADPKD (with or without family history), and was not identified in 150 control chromosomes from healthy individuals (Reed 2008, Bataille 2011, Peltola 2005, Rossetti 2012). Reed et al. could not classify the variant however the conservation score associated the variant with some evolutionary variability (Reed 2008). The variant was identified in dbSNP (ID: rs560049593) as â€šÃ„ÃºWith other alleleâ€šÃ„Ã¹, ClinVar (classified benign by ARUP, and likely benign by Prevention Genetics and GeneDx), and ADPKD Mutation Database (classified as likely neutral). The variant was not identified in PKD1-LOVD or LOVD 3.0. The variant was identified in control databases in 398 of 26042 chromosomes (3 homozygous) at a frequency of 0.02 increasing the likelihood this could be a low frequency benign variant (Genome Aggregation Database Feb 27, 2017). The variant was observed in the following populations: African in 44 of 8250 chromosomes (freq: 0.005), Other in 18 of 744 chromosomes (freq: 0.02), Latino in 2 of 396 chromosomes (freq: 0.005), European Non-Finnish in 266 of 13680 chromosomes (freq: 0.02), Ashkenazi Jewish in 1 of 224 chromosomes (freq: 0.004), European Finnish in 67 of 1126 chromosomes (freq: 0.06); it was not observed in the East Asian, and South Asian populations. The p.Pro36 residue is not conserved in mammals and computational analyses (PolyPhen-2, SIFT, AlignGVGD, BLOSUM, MutationTaster) provide inconsistent predictions regarding the impact of the variant His to the protein; this information is not very predictive of pathogenicity. The variant occurs outside of the splicing consensus sequence and in silico or computational prediction software programs (SpliceSiteFinder, MaxEntScan, NNSPLICE, GeneSplicer) do not predict a difference in splicing. In summary, based on the above information this variant meets our laboratory criteria to be classified as benign.

Literature cited by the submitters: PubMed 18640754 (cited by Mayo Clinic Laboratories, Mayo Clinic).